The following is an entry in ClinVar:

ClinVar aggregate classification (germline): Uncertain significance (1 of 4 stars; one submission).

Submission:

GeneDx
Classification: Uncertain significance. Last evaluated: 2022-05-31. Review status: criteria provided, single submitter. Criteria: GeneDx Variant Classification Process June 2021. Collection method: clinical testing. Allele origin: germline. Affected: yes.
Comment: Not observed at significant frequency in large population cohorts (gnomAD); Canonical splice site variant in a gene or region of a gene for which loss of function is not a well-established mechanism of disease; Has not been previously published as pathogenic or benign to our knowledge

NM_001394062.1(MACF1):c.21678+1G>A

Gene: MACF1 (microtubule actin crosslinking factor 1; plus strand). Cytogenetic location: 1p34.3.
Variant type: single nucleotide variant.
Coding change: c.21678+1G>A on transcript NM_001394062.1 (MANE Select); the canonical splice donor site of the intron after coding-DNA position 21678, G replaced by A.
Molecular consequence: splice donor variant.
Genome position (GRCh38, 1-based): chr1:39,462,038, G>A. VCF-style: chr1-39462038-G-A. GRCh37 (hg19) VCF-style: chr1-39927710-G-A.
Other names: c.15501+1G>A (NM_012090.5); c.9756+1G>A (NM_001397473.1).
Identifiers: ClinVar variation 1801920 (VCV001801920.1), dbSNP rs2523339964, ClinGen allele CA339774386.
Genomic context (GRCh38, chr1:39,462,038, plus strand): 5'-CTTCATCCCAACAAGGATGCGTATCGACCAACAACCGATGCAGATAAAATCGAAGATGAG[G>A]TAAGGGAAATAATTATATTTTGAGTACACTTCTGGCTGTAGGTTTGTAATATCCTGAATT-3'